The following is an entry in ClinVar:

NM_002474.3(MYH11):c.4913A>C (p.Lys1638Thr)

Genes: MYH11 (myosin heavy chain 11; minus strand), NDE1 (nudE neurodevelopment protein 1; plus strand). Cytogenetic location: 16p13.11.
Variant type: single nucleotide variant.
Coding change: c.4913A>C on transcript NM_002474.3 (MANE Select); coding-DNA position 4913, A replaced by C.
Protein change: p.Lys1638Thr; replaces lysine 1638 with threonine.
Molecular consequence: missense variant. On other transcripts: intron variant (2).
Genome position (GRCh38, 1-based): chr16:15,720,191, T>G on the plus strand (A>C on the coding strand, the complement: MYH11 is on the minus strand). VCF-style: chr16-15720191-T-G. GRCh37 (hg19) VCF-style: chr16-15814048-T-G.
Other names: c.4934A>C, p.Lys1645Thr (NM_001040113.2, NM_001040114.2); c.4913A>C, p.Lys1638Thr (NM_022844.3); c.948-4000T>G (NM_001143979.2, NM_017668.3); short protein forms K1638T, K1645T.
Identifiers: ClinVar variation 3718793 (VCV003718793.2).

ClinVar aggregate classification (germline): Uncertain significance (1 of 4 stars; one submission).

Conditions:
Aortic aneurysm, familial thoracic 4 (AAT4). Also called: AORTIC ANEURYSM/AORTIC DISSECTION AND PATENT DUCTUS ARTERIOSUS. Identifiers: MedGen C1851504, MONDO:0007568, OMIM 132900.

Submission:

Labcorp Genetics (formerly Invitae), Labcorp
Classification: Uncertain significance for Aortic aneurysm, familial thoracic 4. Last evaluated: 2024-09-27. Review status: criteria provided, single submitter. Criteria: Invitae Variant Classification Sherloc (09022015). Collection method: clinical testing. Allele origin: germline.
Comment: This sequence change replaces lysine, which is basic and polar, with threonine, which is neutral and polar, at codon 1645 of the MYH11 protein (p.Lys1645Thr). This variant is not present in population databases (gnomAD no frequency). This variant has not been reported in the literature in individuals affected with MYH11-related conditions. Invitae Evidence Modeling of protein sequence and biophysical properties (such as structural, functional, and spatial information, amino acid conservation, physicochemical variation, residue mobility, and thermodynamic stability) indicates that this missense variant is not expected to disrupt MYH11 protein function with a negative predictive value of 95%. In summary, the available evidence is currently insufficient to determine the role of this variant in disease. Therefore, it has been classified as a Variant of Uncertain Significance.